The following is an entry in ClinVar:

NM_000051.4(ATM):c.6916_6917del (p.Leu2307fs)

Genes: ATM (ATM serine/threonine kinase; plus strand), C11orf65 (chromosome 11 open reading frame 65; minus strand). Cytogenetic location: 11q22.3.
Variant type: Microsatellite.
Coding change: c.6916_6917del on transcript NM_000051.4 (MANE Select); coding-DNA positions 6916 to 6917, 2 bases deleted (AG; older notation c.6916_6917delAG).
Protein change: p.Leu2307fs; shifts the reading frame from leucine 2307.
Molecular consequence: frameshift variant. On other transcripts: intron variant (2).
Genome position (GRCh38, 1-based): chr11:108,326,166-108,326,167, AG deleted; deleting any 2 consecutive bases within chr11:108,326,164-108,326,167 gives the same sequence; the c. name uses the placement nearest the transcript's 3' end. VCF-style (leftmost placement, unchanged base first): chr11-108326163-CAG-C. GRCh37 (hg19) VCF-style: chr11-108196890-CAG-C.
Other names: NM_000051.4(ATM):c.6916_6917del; p.Leu2307fs; c.6916_6917delAG (NM_000051.3); c.6916_6917del (NM_000051.3); c.6916_6917del, p.Leu2307fs (NM_001351834.2); c.641-17094_641-17093del (NM_001330368.2); c.*38+9055_*38+9056del (NM_001351110.2); short protein forms L2307fs.
Identifiers: ClinVar variation 236760 (VCV000236760.46), dbSNP rs878853535, ClinGen allele CA10582843.
Genomic context (GRCh38, chr11:108,326,163, plus strand): 5'-AGCTGTGGAGTCTCTGAGTGGCAGCTGGAAGAAGCACAAGTATTCTGGGCAAAAAAGGAG[CAG>C]AGTCTTGCCCTGAGTATTCTCAAGCAAATGATCAAGAAGTTGGATGCCAGCTGTGCAGCG-3'

ClinVar aggregate classification (germline): Pathogenic. Review status: reviewed by expert panel (3 of 4 stars). 16 submissions from 15 submitters: Pathogenic (1). 15 of the submissions do not count toward it. Last evaluated 2026-06-19.

Conditions:
ATM-related disorder. Also called: ATM-related disorders; ATM-related condition.
Inherited breast cancer and ovarian cancer.
Hereditary cancer-predisposing syndrome. Also called: Neoplastic Syndromes, Hereditary; Hereditary neoplastic syndrome; Tumor predisposition; Hereditary Cancer Syndrome. Identifiers: Orphanet 140162, MedGen C0027672, MeSH D009386, MONDO:0015356.
ATM-related cancer predisposition. Also called: ATM-related cancer susceptibility. Identifiers: MedGen CN377759, MONDO:0700270.
Familial cancer of breast. Also called: hereditary breast carcinoma; Hereditary breast cancer; BREAST CANCER, FAMILIAL. Identifiers: Orphanet 227535, MedGen C0346153, MONDO:0016419, OMIM 114480. Disease mechanism: loss of function.
Ataxia-telangiectasia syndrome (AT). Also called: Ataxia telangiectasia (A-T); Cerebello-oculocutaneous telangiectasia; Immunodeficiency with ataxia telangiectasia; LOUIS-BAR SYNDROME; AT, COMPLEMENTATION GROUP C; ATAXIA-TELANGIECTASIA, FRESNO VARIANT. Identifiers: Orphanet 100, MedGen C0004135, MONDO:0008840, OMIM 208900.
Malignant tumor of breast. Also called: Malignant breast neoplasm; Cancer breast. Identifiers: MedGen C0006142, MONDO:0007254. Disease mechanism: loss of function.

Submissions 1 to 10 of 16:

ClinGen Hereditary Breast, Ovarian and Pancreatic Cancer Variant Curation Expert Panel, ClinGen
Classification: Pathogenic for ATM-related cancer predisposition. Last evaluated: 2026-06-19. Review status: reviewed by expert panel. Criteria: ClinGen HBOP ACMG Specifications ATM V1.5.0. Collection method: curation. Allele origin: germline. Inheritance: Autosomal dominant inheritance.
Comment: The c.6916_6917del (p. Leu2307Cysfs*65) variant in ATM is a frameshift variant predicted to cause a premature stop codon in biologically-relevant-exon leading to nonsense mediated decay in a gene in which loss-of-function is an established disease mechanism. This alteration results in a termination codon upstream of the most C-terminus pathogenic alteration (ATM p.Arg3047*), as classified by the HBOP VCEP, and is expected to be more deleterious. The highest population minor allele frequency in gnomAD v4.1.1 is 0.000007627 in European (non-Finnish) population, which is lower than the ClinGen HBOP threshold (<0.00001) for PM2_Supporting, meeting this criterion. This variant has been detected in individual(s) with Ataxia-Telangiectasia (PMID: 9463314, 22649200, 26896183). In summary, this variant meets the criteria to be classified as pathogenic for autosomal dominant ATM-related cancer predisposition and autosomal recessive Ataxia-Telangiectasia based on the ACMG/AMP criteria applied, as specified by the HBOP VCEP. (PVS1, PM5_Supporting, PM3_Strong, PM2_Supporting)

Labcorp Genetics (formerly Invitae), Labcorp
Classification: Pathogenic for Ataxia-telangiectasia syndrome. Last evaluated: 2026-01-18. Review status: criteria provided, single submitter. Criteria: Invitae Variant Classification Sherloc (09022015). Collection method: clinical testing. Allele origin: germline. Not counted in ClinVar's aggregate classification.
Comment: This sequence change creates a premature translational stop signal (p.Leu2307Cysfs*65) in the ATM gene. It is expected to result in an absent or disrupted protein product. Loss-of-function variants in ATM are known to be pathogenic (PMID: 23807571, 25614872). This variant is not present in population databases (gnomAD no frequency). This premature translational stop signal has been observed in individual(s) with ataxia-telangiectasia (PMID: 9463314). ClinVar contains an entry for this variant (Variation ID: 236760). For these reasons, this variant has been classified as Pathogenic.

Genetics Laboratory, Great Ormond Street Hospital NHS Foundation Trust, North Thames Genomic Laboratory Hub
Classification: Pathogenic for Inherited breast cancer and ovarian cancer. Last evaluated: 2025-12-30. Review status: criteria provided, single submitter. Criteria: CanVIG ATM Gene Specific V1.2. Collection method: clinical testing. Allele origin: germline. Affected: yes. Not counted in ClinVar's aggregate classification.
Comment: PVS1_very-strong, PM5_supporting, PM3_moderate

Ambry Genetics
Classification: Pathogenic for Hereditary cancer-predisposing syndrome. Last evaluated: 2025-01-08. Review status: criteria provided, single submitter. Criteria: Ambry Variant Classification Scheme 2023. Collection method: clinical testing. Allele origin: germline. Not counted in ClinVar's aggregate classification.
Comment: The c.6916_6917delAG pathogenic mutation, located in coding exon 46 of the ATM gene, results from a deletion of two nucleotides at nucleotide positions 6916 to 6917, causing a translational frameshift with a predicted alternate stop codon (p.L2307Cfs*65). This alteration has been reported in patients with ataxia-telangiectasia (Stankovic T et al. Am. J. Hum. Genet., 1998 Feb;62:334-45; Carney EF et al. J Immunol, 2012 Jul;189:261-8). It has also been reported in breast and/or ovarian cancer patients (Decker B et al. J Med Genet, 2017 11;54:732-741; Hauke J et al. Cancer Med, 2018 04;7:1349-1358; Lerner-Ellis J et al. J Cancer Res Clin Oncol, 2021 Mar;147:871-879; Arvai KJ et al. Hered Cancer Clin Pract, 2019 Jul;17:19). Of note, this alteration is also designated as "delta AG at nucleotide 9616" and "c.6914_6915delAG" in the literature. This variant is considered to be rare based on population cohorts in the Genome Aggregation Database (gnomAD). In addition to the clinical data presented in the literature, this alteration is expected to result in loss of function by premature protein truncation or nonsense-mediated mRNA decay. As such, this alteration is interpreted as a disease-causing mutation.

Blueprint Genetics
Classification: Pathogenic for ATM-related disorders. Last evaluated: 2024-11-19. Review status: criteria provided, single submitter. Criteria: ACMG Guidelines, 2015. Collection method: clinical testing. Allele origin: germline. Affected: yes. Observed: 1 variant allele. Not counted in ClinVar's aggregate classification.

Color Diagnostics, LLC DBA Color Health
Classification: Pathogenic for Hereditary cancer-predisposing syndrome. Last evaluated: 2024-11-05. Review status: criteria provided, single submitter. Criteria: ACMG Guidelines, 2015. Collection method: clinical testing. Allele origin: germline. Not counted in ClinVar's aggregate classification.
Comment: This variant deletes 2 nucleotides in exon 47 of the ATM gene, creating a frameshift and premature translation stop signal. This variant is expected to result in an absent or non-functional protein product. This variant is also known as c.6914_6915delAG in the literature. To our knowledge, functional studies have not been reported for this variant. This variant has been reported in individuals affected with breast cancer (PMID: 28779002, 29522266, 33471991). This variant has also been reported in individuals affected with autosomal recessive ataxia-telangiectasia (PMID: 9463314, 22649200). This variant has not been identified in the general population by the Genome Aggregation Database (gnomAD). Loss of ATM function is a known mechanism of disease. Based on the available evidence, this variant is classified as Pathogenic.

Baylor Genetics
Classification: Pathogenic for Familial cancer of breast. Last evaluated: 2024-03-07. Review status: criteria provided, single submitter. Criteria: ACMG Guidelines, 2015. Collection method: clinical testing. Allele origin: unknown. Not counted in ClinVar's aggregate classification.

Fulgent Genetics
Classification: Pathogenic for Familial cancer of breast; Ataxia-telangiectasia syndrome. Last evaluated: 2024-02-27. Review status: criteria provided, single submitter. Criteria: ACMG Guidelines, 2015. Collection method: clinical testing. Allele origin: germline. Not counted in ClinVar's aggregate classification.

Myriad Genetics, Inc.
Classification: Pathogenic for Familial cancer of breast. Last evaluated: 2024-01-30. Review status: criteria provided, single submitter. Criteria: Myriad Autosomal Dominant, Autosomal Recessive and X-Linked Classification Criteria (2023). Collection method: clinical testing. Allele origin: unknown. Not counted in ClinVar's aggregate classification.
Comment: This variant is considered pathogenic. This variant creates a frameshift predicted to result in premature protein truncation.

GeneDx
Classification: Pathogenic. Last evaluated: 2023-03-17. Review status: criteria provided, single submitter. Criteria: GeneDx Variant Classification Process June 2021. Collection method: clinical testing. Allele origin: germline. Affected: yes. Not counted in ClinVar's aggregate classification.
Comment: Frameshift variant predicted to result in protein truncation or nonsense mediated decay in a gene for which loss of function is a known mechanism of disease; Not observed at significant frequency in large population cohorts (gnomAD); Truncating variants in this gene are considered pathogenic by a well-established clinical consortium and/or database; Observed in individuals with breast cancer (Decker et al., 2017; Hauke et al., 2018; Lerner-Ellis et al., 2021); Co-observed, phase unclear, with a second ATM variant in individuals with features of ataxia telangiectasia (Carney et al., 2012; Jackson et al., 2016); This variant is associated with the following publications: (PMID: 28779002, 29522266, 34114234, 33804961, 31050087, 25614872, 33471991, 23807571, 32885271, 26896183, 9463314, 22649200, 31341520, 15928302)